The following is an entry in ClinVar:

ClinVar aggregate classification (germline): Conflicting classifications of pathogenicity. Review status: criteria provided, conflicting classifications (1 of 4 stars). 2 submissions from 2 submitters: Uncertain significance (1); Likely benign (1). Last evaluated 2024-10-30.

Conditions:
Blood group, I system (Ii). Identifiers: MedGen C0020717, OMIM 110800.
GCNT2-related disorder. Also called: GCNT2-related condition.

Allele frequency attached by ClinVar (database versions not stated): gnomAD 0.00001; gnomAD exomes 0.00001; TOPMed 0.00001.
gnomAD v4.1: 14 of 1,604,714 alleles (0.00087%); highest among the groups gnomAD compares: South Asian, 0.0022%; no homozygotes.

Submissions (2):

PreventionGenetics, part of Exact Sciences
Classification: Likely benign for GCNT2-related condition. Last evaluated: 2024-10-30. Review status: criteria provided, single submitter. Criteria: ACMG Guidelines, 2015. Collection method: clinical testing. Allele origin: germline.
Comment: This variant is classified as likely benign based on ACMG/AMP sequence variant interpretation guidelines (Richards et al. 2015 PMID: 25741868, with internal and published modifications).

Illumina Laboratory Services, Illumina
Classification: Uncertain significance for Blood group, I system. Last evaluated: 2018-03-16. Review status: criteria provided, single submitter. Criteria: ICSL Variant Classification Criteria 13 December 2019. Collection method: clinical testing. Allele origin: germline.

NM_145649.5(GCNT2):c.925+27511G>A

Gene: GCNT2 (glucosaminyl (N-acetyl) transferase 2 (I blood group); plus strand). Cytogenetic location: 6p24.3.
Variant type: single nucleotide variant.
Coding change: c.925+27511G>A on transcript NM_145649.5 (MANE Select); 27511 bases into the intron after coding-DNA position 925, G replaced by A.
Molecular consequence: intron variant.
Genome position (GRCh38, 1-based): chr6:10,557,347, G>A. VCF-style: chr6-10557347-G-A. GRCh37 (hg19) VCF-style: chr6-10557580-G-A.
Other names: c.925+27511G>A (NM_001374747.1); c.919+5G>A (NM_001491.3).
Identifiers: ClinVar variation 903722 (VCV000903722.5), dbSNP rs979052979, ClinGen allele CA134084598.